The following is an entry in ClinVar:

ClinVar aggregate classification (germline): Uncertain significance. Review status: criteria provided, multiple submitters, no conflicts (2 of 4 stars). 3 submissions from 3 submitters: Uncertain significance (3). Last evaluated 2025-12-17.

Conditions:
PCARE-related disorder. Also called: PCARE-related condition.

Submissions (3):

PreventionGenetics, part of Exact Sciences
Classification: Uncertain significance for PCARE-related condition. Last evaluated: 2025-12-17. Review status: criteria provided, single submitter. Criteria: ACMG Guidelines, 2015. Collection method: clinical testing. Allele origin: germline.
Comment: The PCARE c.1562G>A variant is predicted to result in the amino acid substitution p.Arg521Gln. To our knowledge, this variant has not been reported in the literature. This variant is present in 0.0085% of alleles in individuals of Latino descent in gnomAD. At this time, the clinical significance of this variant is uncertain due to the absence of conclusive functional and genetic evidence.

Labcorp Genetics (formerly Invitae), Labcorp
Classification: Uncertain significance. Last evaluated: 2025-08-15. Review status: criteria provided, single submitter. Criteria: Invitae Variant Classification Sherloc (09022015). Collection method: clinical testing. Allele origin: germline.
Comment: This sequence change replaces arginine, which is basic and polar, with glutamine, which is neutral and polar, at codon 521 of the PCARE protein (p.Arg521Gln). This variant is present in population databases (rs770791387, gnomAD 0.009%). This variant has not been reported in the literature in individuals affected with PCARE-related conditions. ClinVar contains an entry for this variant (Variation ID: 2415353). An algorithm developed to predict the effect of missense changes on protein structure and function (PolyPhen-2) suggests that this variant is likely to be tolerated. In summary, the available evidence is currently insufficient to determine the role of this variant in disease. Therefore, it has been classified as a Variant of Uncertain Significance.

Blueprint Genetics
Classification: Uncertain significance. Last evaluated: 2024-07-03. Review status: criteria provided, single submitter. Criteria: ACMG Guidelines, 2015. Collection method: clinical testing. Allele origin: germline.

NM_001029883.3(PCARE):c.1562G>A (p.Arg521Gln)

Gene: PCARE (photoreceptor cilium actin regulator; minus strand). Cytogenetic location: 2p23.2.
Variant type: single nucleotide variant.
Coding change: c.1562G>A on transcript NM_001029883.3 (MANE Select); coding-DNA position 1562, G replaced by A.
Protein change: p.Arg521Gln; replaces arginine 521 with glutamine.
Molecular consequence: missense variant.
Genome position (GRCh38, 1-based): chr2:29,072,700, C>T on the plus strand (G>A on the coding strand, the complement: PCARE is on the minus strand). VCF-style: chr2-29072700-C-T. GRCh37 (hg19) VCF-style: chr2-29295566-C-T.
Other names: c.1562G>A (NM_001029883.2); short protein forms R521Q.
Identifiers: ClinVar variation 2415353 (VCV002415353.8), dbSNP rs770791387, ClinGen allele CA1592396.